The following is an entry in ClinVar:

NM_000141.5(FGFR2):c.289G>A (p.Ala97Thr)

Gene: FGFR2 (fibroblast growth factor receptor 2; minus strand). Cytogenetic location: 10q26.13.
Variant type: single nucleotide variant.
Coding change: c.289G>A on transcript NM_000141.5 (MANE Select); coding-DNA position 289, G replaced by A.
Protein change: p.Ala97Thr; replaces alanine 97 with threonine.
Molecular consequence: missense variant. On other transcripts: intron variant (9).
Genome position (GRCh38, 1-based): chr10:121,565,525, C>T on the plus strand (G>A on the coding strand, the complement: FGFR2 is on the minus strand). VCF-style: chr10-121565525-C-T. GRCh37 (hg19) VCF-style: chr10-123325039-C-T.
Other names: c.289G>A, p.Ala97Thr (NM_001144917.2, NM_001320658.2, NM_001441087.1 and 3 more transcripts); c.110-14066G>A (NM_001144918.2, NM_001441091.1, NM_001441090.1 and 1 more transcripts); c.110-946G>A (NM_001441089.1, NM_023029.3, NM_001441088.1 and 2 more transcripts); short protein forms A97T.
Identifiers: ClinVar variation 497484 (VCV000497484.17), dbSNP rs372430349, ClinGen allele CA5721181.

ClinVar aggregate classification (germline): Conflicting classifications of pathogenicity. Review status: criteria provided, conflicting classifications (1 of 4 stars). 6 submissions from 6 submitters: Uncertain significance (4); Likely benign (2). Last evaluated 2026-02-20.

Conditions:
FGFR2-related disorder. Identifiers: MedGen CN380096.
FGFR2-realated disorder.
Gastric cancer. Also called: Stomach cancer; Malignant tumor of stomach. Identifiers: MedGen C0024623, MeSH D013274, MONDO:0001056, OMIM 613659, HP:0012126.
Antley-Bixler syndrome without genital anomalies or disordered steroidogenesis (ABS2). Also called: Trapezoidocephaly synostosis syndrome; Osteodysgenesis, multisynostotic with fractures; MULTISYNOSTOTIC OSTEODYSGENESIS WITH LONG BONE FRACTURES; Antley-Bixler Syndrome, Autosomal Dominant. Identifiers: Orphanet 596008, Orphanet 83, MedGen C2936791, MONDO:0020667, OMIM 207410.
Familial scaphocephaly syndrome, McGillivray type. Also called: SCAPHOCEPHALY, MAXILLARY RETRUSION, AND IMPAIRED INTELLECTUAL DEVELOPMENT. Identifiers: Orphanet 168624, MedGen C1865070, MONDO:0012307, OMIM 609579.
Crouzon syndrome. Also called: CRANIOFACIAL DYSOSTOSIS, TYPE I; Craniofacial dysostosis; Craniofacial dysostosis type 1; Crouzon craniofacial dysostosis; Crouzon disease. Identifiers: Orphanet 207, MedGen C0010273, MeSH D003394, MONDO:0007405, OMIM 123500, HP:0004439.
Levy-Hollister syndrome (LADD). Also called: LADD syndrome. Identifiers: Orphanet 2363, MedGen C0265269, MONDO:0007872.
Beare-Stevenson cutis gyrata syndrome (BSTVS). Identifiers: Orphanet 1555, MedGen C1852406, MONDO:0007412, OMIM 123790.
Saethre-Chotzen syndrome (SCS). Also called: ACROCEPHALY, SKULL ASYMMETRY, AND MILD SYNDACTYLY; ACS III; CHOTZEN SYNDROME. Identifiers: Orphanet 794, MedGen C0175699, MONDO:0007042, OMIM 101400.
Jackson-Weiss syndrome (JWS). Also called: CRANIOSYNOSTOSIS, MIDFACIAL HYPOPLASIA, AND FOOT ABNORMALITIES. Identifiers: Orphanet 1540, MedGen C0795998, MONDO:0007400, OMIM 123150. Disease mechanism: loss of function.
Pfeiffer syndrome (ACS5). Also called: ACS V. Identifiers: Orphanet 710, MedGen C0220658, MONDO:0007043, OMIM 101600.
Bent bone dysplasia syndrome 1 (BBDS1). Also called: FGFR2-related bent bone dysplasia. Identifiers: Orphanet 313855, MedGen C3281247, MONDO:0013815, OMIM 614592.
Acrocephalosyndactyly type I (ACS1). Also called: Apert syndrome; Acrocephalo-syndactyly type 1; ACS 1; Syndactylic oxycephaly. Identifiers: Orphanet 87, MedGen C0001193, MONDO:0007041, OMIM 101200.
FGFR2-related craniosynostosis. Identifiers: MedGen CN231480.

Allele frequency attached by ClinVar (database versions not stated): ExAC 0.00003; gnomAD exomes 0.00004; ESP Exome Variant Server 0.00008; gnomAD 0.00009 and 0.00011; TOPMed 0.00010.
gnomAD v4.1: 74 of 1,614,100 alleles (0.0046%); highest among the groups gnomAD compares: African/African-American, 0.029%; no homozygotes.

Submissions (6):

PreventionGenetics, part of Exact Sciences
Classification: Uncertain significance for FGFR2-related condition. Last evaluated: 2026-02-20. Review status: criteria provided, single submitter. Criteria: ACMG Guidelines, 2015. Collection method: clinical testing. Allele origin: germline.
Comment: The FGFR2 c.289G>A variant is predicted to result in the amino acid substitution p.Ala97Thr. This variant has been reported as maternally-inherited in an individual from an anorectal malformations cohort who also had biallelic variants in the ADAMTSL2 gene (Table S1 in Belanger Deloge et al. 2022. PubMed ID: 36474027). This variant is reported in 0.032% of alleles in individuals of African descent in gnomAD. At this time, the clinical significance of this variant is uncertain due to the absence of conclusive functional and genetic evidence.

Labcorp Genetics (formerly Invitae), Labcorp
Classification: Likely benign for FGFR2-related craniosynostosis. Last evaluated: 2024-09-15. Review status: criteria provided, single submitter. Criteria: Invitae Variant Classification Sherloc (09022015). Collection method: clinical testing. Allele origin: germline.

Blueprint Genetics
Classification: Likely benign. Last evaluated: 2024-03-02. Review status: criteria provided, single submitter. Criteria: ACMG Guidelines, 2015. Collection method: clinical testing. Allele origin: germline.

Daryl Scott Lab, Baylor College of Medicine
Classification: Uncertain significance for FGFR2-realated disorder. Last evaluated: 2022-02-01. Review status: criteria provided, single submitter. Criteria: ACMG Guidelines, 2015. Collection method: clinical testing. Allele origin: maternal. Observed: 1 variant allele.

Fulgent Genetics
Classification: Uncertain significance for Acrocephalosyndactyly type I; Saethre-Chotzen syndrome; Pfeiffer syndrome; Jackson-Weiss syndrome; Crouzon syndrome; Beare-Stevenson cutis gyrata syndrome; LADD syndrome 1; Antley-Bixler syndrome without genital anomalies or disordered steroidogenesis; Familial scaphocephaly syndrome, McGillivray type; Gastric cancer; Bent bone dysplasia syndrome 1. Last evaluated: 2021-10-25. Review status: criteria provided, single submitter. Criteria: ACMG Guidelines, 2015. Collection method: clinical testing. Allele origin: unknown.

Eurofins Ntd Llc (ga)
Classification: Uncertain significance. Last evaluated: 2016-10-06. Review status: criteria provided, single submitter. Criteria: EGL Classification Definitions 2015. Collection method: clinical testing. Allele origin: germline. Observed: 1 variant allele, 1 heterozygote.

Literature cited by the submitters: PubMed 36474027 (cited by Daryl Scott Lab, Baylor College of Medicine).